The following is an entry in ClinVar:

ClinVar aggregate classification (germline): Uncertain significance. Review status: criteria provided, multiple submitters, no conflicts (2 of 4 stars). 2 submissions from 2 submitters: Uncertain significance (2). Last evaluated 2025-06-23.

Allele frequency attached by ClinVar (database versions not stated): ExAC 0.00001; gnomAD 0.00002; TOPMed 0.00001.
gnomAD v4.1: 11 of 1,614,098 alleles (0.00068%); highest among the groups gnomAD compares: Admixed American, 0.018%; no homozygotes.

Submissions (2):

GeneDx
Classification: Uncertain significance. Last evaluated: 2025-06-23. Review status: criteria provided, single submitter. Criteria: GeneDx Variant Classification Process June 2021. Collection method: clinical testing. Allele origin: germline. Affected: yes.
Comment: In silico analysis suggests that this missense variant does not alter protein structure/function; Has not been previously published as pathogenic or benign to our knowledge

Labcorp Genetics (formerly Invitae), Labcorp
Classification: Uncertain significance. Last evaluated: 2022-05-05. Review status: criteria provided, single submitter. Criteria: Invitae Variant Classification Sherloc (09022015). Collection method: clinical testing. Allele origin: germline.
Comment: This sequence change replaces glutamic acid, which is acidic and polar, with lysine, which is basic and polar, at codon 3788 of the FAT4 protein (p.Glu3788Lys). This variant is present in population databases (rs776516773, gnomAD 0.02%). This variant has not been reported in the literature in individuals affected with FAT4-related conditions. Advanced modeling of protein sequence and biophysical properties (such as structural, functional, and spatial information, amino acid conservation, physicochemical variation, residue mobility, and thermodynamic stability) performed at Invitae indicates that this missense variant is not expected to disrupt FAT4 protein function. In summary, the available evidence is currently insufficient to determine the role of this variant in disease. Therefore, it has been classified as a Variant of Uncertain Significance.

NM_001291303.3(FAT4):c.11368G>A (p.Glu3790Lys)

Gene: FAT4 (FAT atypical cadherin 4; plus strand). Cytogenetic location: 4q28.1.
Variant type: single nucleotide variant.
Coding change: c.11368G>A on transcript NM_001291303.3 (MANE Select); coding-DNA position 11368, G replaced by A.
Protein change: p.Glu3790Lys; replaces glutamic acid 3790 with lysine.
Molecular consequence: missense variant.
Genome position (GRCh38, 1-based): chr4:125,452,378, G>A. VCF-style: chr4-125452378-G-A. GRCh37 (hg19) VCF-style: chr4-126373533-G-A.
Other names: c.11368G>A, p.Glu3790Lys (NM_001291285.3); c.11362G>A, p.Glu3788Lys (NM_024582.6); c.11362G>A (NM_024582.4); short protein forms E3790K, E3788K.
Identifiers: ClinVar variation 1910265 (VCV001910265.3), dbSNP rs776516773, ClinGen allele CA3073839.